The following is an entry in ClinVar:

NM_000492.4(CFTR):c.3928T>G (p.Trp1310Gly)

Gene: CFTR (CF transmembrane conductance regulator; plus strand). Cytogenetic location: 7q31.2.
Variant type: single nucleotide variant.
Coding change: c.3928T>G on transcript NM_000492.4 (MANE Select); coding-DNA position 3928, T replaced by G.
Protein change: p.Trp1310Gly; replaces tryptophan 1310 with glycine.
Molecular consequence: missense variant.
Genome position (GRCh38, 1-based): chr7:117,652,896, T>G. VCF-style: chr7-117652896-T-G. GRCh37 (hg19) VCF-style: chr7-117292950-T-G.
Other names: short protein forms W1310G.
Identifiers: ClinVar variation 3491623 (VCV003491623.1).

ClinVar aggregate classification (germline): Uncertain significance (1 of 4 stars; one submission).

Conditions:
Cystic fibrosis (CF). Also called: MUCOVISCIDOSIS. Identifiers: Orphanet 586, MedGen C0010674, MONDO:0009061, OMIM 219700. Disease mechanism: loss of function.

gnomAD v4.1: 1 of 1,606,260 alleles (0.000062%); highest among the groups gnomAD compares: East Asian, 0.0022%; no homozygotes.

Submission:

Ambry Genetics
Classification: Uncertain significance for Cystic fibrosis. Last evaluated: 2024-06-30. Review status: criteria provided, single submitter. Criteria: Ambry Variant Classification Scheme 2023. Collection method: clinical testing. Allele origin: germline.
Comment: The p.W1310G variant (also known as c.3928T>G), located in coding exon 24 of the CFTR gene, results from a T to G substitution at nucleotide position 3928. The tryptophan at codon 1310 is replaced by glycine, an amino acid with highly dissimilar properties. This amino acid position is conserved. In addition, this alteration is predicted to be deleterious by in silico analysis. Based on the available evidence, the clinical significance of this variant remains unclear.